The following is an entry in ClinVar:

ClinVar aggregate classification (germline): Uncertain significance. Review status: criteria provided, multiple submitters, no conflicts (2 of 4 stars). 3 submissions from 3 submitters: Uncertain significance (3). Last evaluated 2025-01-22.

Conditions:
Inborn genetic diseases. Identifiers: MedGen C0950123, MeSH D030342.
Fanconi anemia (FA). Also called: Fanconi's anemia. Identifiers: Orphanet 84, MedGen C0015625, MeSH D005199, MONDO:0019391.

Submissions (3):

Ambry Genetics
Classification: Uncertain significance for Inborn genetic diseases. Last evaluated: 2025-01-22. Review status: criteria provided, single submitter. Criteria: Ambry Variant Classification Scheme 2023. Collection method: clinical testing. Allele origin: germline.
Comment: The p.D974E variant (also known as c.2922C>A), located in coding exon 14 of the FANCM gene, results from a C to A substitution at nucleotide position 2922. The aspartic acid at codon 974 is replaced by glutamic acid, an amino acid with highly similar properties. This amino acid position is conserved. In addition, this alteration is predicted to be tolerated by in silico analysis. Based on the available evidence, the clinical significance of this variant remains unclear.

Labcorp Genetics (formerly Invitae), Labcorp
Classification: Uncertain significance for Fanconi anemia. Last evaluated: 2024-06-18. Review status: criteria provided, single submitter. Criteria: Invitae Variant Classification Sherloc (09022015). Collection method: clinical testing. Allele origin: germline.
Comment: This sequence change replaces aspartic acid, which is acidic and polar, with glutamic acid, which is acidic and polar, at codon 974 of the FANCM protein (p.Asp974Glu). This variant is not present in population databases (gnomAD no frequency). This variant has not been reported in the literature in individuals affected with FANCM-related conditions. ClinVar contains an entry for this variant (Variation ID: 916416). Algorithms developed to predict the effect of missense changes on protein structure and function output the following: SIFT: "Not Available"; PolyPhen-2: "Benign"; Align-GVGD: "Not Available". The glutamic acid amino acid residue is found in multiple mammalian species, which suggests that this missense change does not adversely affect protein function. In summary, the available evidence is currently insufficient to determine the role of this variant in disease. Therefore, it has been classified as a Variant of Uncertain Significance.

CeGaT Center for Human Genetics Tuebingen
Classification: Uncertain significance. Last evaluated: 2020-02-01. Review status: criteria provided, single submitter. Criteria: CeGaT Center For Human Genetics Tuebingen Variant Classification Criteria Version 2. Collection method: clinical testing. Allele origin: germline. Affected: yes. Observed: 1 variant allele.

NM_020937.4(FANCM):c.2922C>A (p.Asp974Glu)

Gene: FANCM (FA complementation group M; plus strand). Cytogenetic location: 14q21.2.
Variant type: single nucleotide variant.
Coding change: c.2922C>A on transcript NM_020937.4 (MANE Select); coding-DNA position 2922, C replaced by A.
Protein change: p.Asp974Glu; replaces aspartic acid 974 with glutamic acid.
Molecular consequence: missense variant.
Genome position (GRCh38, 1-based): chr14:45,175,676, C>A. VCF-style: chr14-45175676-C-A. GRCh37 (hg19) VCF-style: chr14-45644879-C-A.
Other names: c.2844C>A, p.Asp948Glu (NM_001308133.2); c.2922C>A (NM_020937.2); short protein forms D948E, D974E.
Identifiers: ClinVar variation 916416 (VCV000916416.44), dbSNP rs1888633712, ClinGen allele CA389599473.
Genomic context (GRCh38, chr14:45,175,676, plus strand): 5'-TGTTTCATCTAACTTATTTCTTCCATTCGAAGAAGAGCTTTATATTGTTAGAACAGATGA[C>A]CAATTTTATAATTGTCACTCATTGACAAAAGAGGTACTAGCTAATGTAGAGAGATTTTTA-3'
Protein context (NP_065988.1, residues 964-984): EEELYIVRTD[Asp974Glu]QFYNCHSLTK